The following is an entry in ClinVar:

ClinVar aggregate classification (germline): Likely benign (1 of 4 stars; one submission).

Submission:

GeneDx
Classification: Likely benign. Last evaluated: 2017-02-17. Review status: criteria provided, single submitter. Criteria: GeneDx Variant Classification (06012015). Collection method: clinical testing. Allele origin: germline. Affected: yes.
Comment: This variant is considered likely benign or benign based on one or more of the following criteria: it is a conservative change, it occurs at a poorly conserved position in the protein, it is predicted to be benign by multiple in silico algorithms, and/or has population frequency not consistent with disease.

NM_001377.3(DYNC2H1):c.11096-17T>A

Gene: DYNC2H1 (dynein cytoplasmic 2 heavy chain 1; plus strand). Cytogenetic location: 11q22.3.
Variant type: single nucleotide variant.
Coding change: c.11096-17T>A on transcript NM_001377.3 (MANE Select); 17 bases into the intron before coding-DNA position 11096, T replaced by A.
Molecular consequence: intron variant.
Genome position (GRCh38, 1-based): chr11:103,303,076, T>A. VCF-style: chr11-103303076-T-A. GRCh37 (hg19) VCF-style: chr11-103173805-T-A.
Other names: c.11117-17T>A (NM_001080463.2).
Identifiers: ClinVar variation 507524 (VCV000507524.1), dbSNP rs1555095203, ClinGen allele CA658797722.